The following is an entry in ClinVar:

ClinVar aggregate classification (germline): Likely benign. Review status: criteria provided, multiple submitters, no conflicts (2 of 4 stars). 3 submissions from 3 submitters: Likely benign (3). Last evaluated 2025-11-18.

Conditions:
Cardiovascular phenotype. Identifiers: MedGen CN230736.
DiGeorge syndrome. Also called: THIRD AND FOURTH PHARYNGEAL POUCH SYNDROME; Catch22. Identifiers: Orphanet 567, MedGen C0012236, MONDO:0008564, OMIM 188400.

Allele frequency attached by ClinVar (database versions not stated): gnomAD exomes below 0.00001.
gnomAD v4.1: 5 of 1,458,902 alleles (0.00034%); highest among the groups gnomAD compares: African/African-American, 0.0015%; no homozygotes.

Submissions (3):

Ambry Genetics
Classification: Likely benign for Cardiovascular phenotype. Last evaluated: 2025-11-18. Review status: criteria provided, single submitter. Criteria: Ambry Variant Classification Scheme 2023. Collection method: clinical testing. Allele origin: germline.

Labcorp Genetics (formerly Invitae), Labcorp
Classification: Likely benign for DiGeorge syndrome. Last evaluated: 2024-01-04. Review status: criteria provided, single submitter. Criteria: Invitae Variant Classification Sherloc (09022015). Collection method: clinical testing. Allele origin: germline.

CeGaT Center for Human Genetics Tuebingen
Classification: Likely benign. Last evaluated: 2024-01-01. Review status: criteria provided, single submitter. Criteria: CeGaT Center For Human Genetics Tuebingen Variant Classification Criteria Version 2. Collection method: clinical testing. Allele origin: germline. Affected: yes. Observed: 1 variant allele.
Comment: TBX1: BP4, BP7

NM_001379200.1(TBX1):c.1224G>A (p.Glu408=)

Gene: TBX1 (T-box transcription factor 1; plus strand). Cytogenetic location: 22q11.21.
Variant type: single nucleotide variant.
Coding change: c.1224G>A on transcript NM_001379200.1 (MANE Select); coding-DNA position 1224, G replaced by A.
Protein change: p.Glu408=; no amino-acid change (glutamic acid 408 retained).
Molecular consequence: synonymous variant. On other transcripts: intron variant (2).
Genome position (GRCh38, 1-based): chr22:19,766,576, G>A. VCF-style: chr22-19766576-G-A. GRCh37 (hg19) VCF-style: chr22-19754099-G-A.
Other names: c.1197G>A, p.Glu399= (NM_080647.1); c.1009+574G>A (NM_005992.1, NM_080646.2).
Identifiers: ClinVar variation 2865992 (VCV002865992.25), dbSNP rs764852265, ClinGen allele CA10102671.